The following is an entry in ClinVar:

NM_017763.6(RNF43):c.1516G>A (p.Asp506Asn)

Gene: RNF43 (ring finger protein 43; minus strand). Cytogenetic location: 17q22.
Variant type: single nucleotide variant.
Coding change: c.1516G>A on transcript NM_017763.6 (MANE Select); coding-DNA position 1516, G replaced by A.
Protein change: p.Asp506Asn; replaces aspartic acid 506 with asparagine.
Molecular consequence: missense variant.
Genome position (GRCh38, 1-based): chr17:58,358,260, C>T on the plus strand (G>A on the coding strand, the complement: RNF43 is on the minus strand). VCF-style: chr17-58358260-C-T. GRCh37 (hg19) VCF-style: chr17-56435621-C-T.
Other names: c.1516G>A, p.Asp506Asn (NM_001305544.3, NM_001438820.1, NM_001438821.1 and 1 more transcripts); c.1135G>A, p.Asp379Asn (NM_001305545.2, NM_001437987.1); short protein forms D379N, D506N.
Identifiers: ClinVar variation 4844780 (VCV004844780.1).

ClinVar aggregate classification (germline): Uncertain significance (1 of 4 stars; one submission).

gnomAD v4.1: 2 of 1,613,996 alleles (0.00012%); highest among the groups gnomAD compares: Admixed American, 0.0017%; no homozygotes.

Submission:

Ambry Genetics
Classification: Uncertain significance. Last evaluated: 2026-02-16. Review status: criteria provided, single submitter. Criteria: Ambry Variant Classification Scheme 2023. Collection method: clinical testing. Allele origin: germline.
Comment: The p.D506N variant (also known as c.1516G>A), located in coding exon 8 of the RNF43 gene, results from a G to A substitution at nucleotide position 1516. The aspartic acid at codon 506 is replaced by asparagine, an amino acid with highly similar properties. This amino acid position is conserved. In addition, this alteration is predicted to be tolerated by in silico analysis. Based on the available evidence, the clinical significance of this variant remains unclear.